The following is an entry in ClinVar:

NM_001256864.2(DNAJC6):c.513G>A (p.Lys171=)

Gene: DNAJC6 (DnaJ heat shock protein family (Hsp40) member C6; plus strand). Cytogenetic location: 1p31.3.
Variant type: single nucleotide variant.
Coding change: c.513G>A on transcript NM_001256864.2 (MANE Select); coding-DNA position 513, G replaced by A.
Protein change: p.Lys171=; no amino-acid change (lysine 171 retained).
Molecular consequence: synonymous variant.
Genome position (GRCh38, 1-based): chr1:65,366,166, G>A. VCF-style: chr1-65366166-G-A. GRCh37 (hg19) VCF-style: chr1-65831849-G-A.
Other names: c.303G>A, p.Lys101= (NM_001256865.2); c.342G>A, p.Lys114= (NM_014787.4).
Identifiers: ClinVar variation 705664 (VCV000705664.12), dbSNP rs148204207, ClinGen allele CA893672.

ClinVar aggregate classification (germline): Benign. Review status: criteria provided, multiple submitters, no conflicts (2 of 4 stars). 3 submissions from 3 submitters: Benign (2). 1 of the submissions does not count toward it. Last evaluated 2026-01-09.

Conditions:
DNAJC6-related disorder. Also called: DNAJC6-Related Disorders; DNAJC6-related condition.
Juvenile onset Parkinson disease 19A. Also called: PARK19; DNAJC6 Parkinson Disease. Identifiers: Orphanet 391411, MedGen C3809811, MONDO:0014231, OMIM 615528.

Allele frequency attached by ClinVar (database versions not stated): gnomAD exomes 0.00009 and 0.00021; ExAC 0.00031; ESP Exome Variant Server 0.00069; gnomAD 0.00092 and 0.00101; 1000 Genomes Project 30x 0.00109; TOPMed 0.00114; 1000 Genomes Project 0.00120.
gnomAD v4.1: 277 of 1,613,608 alleles (0.017%); highest among the groups gnomAD compares: African/African-American, 0.34%; no homozygotes.

Submissions (3):

Labcorp Genetics (formerly Invitae), Labcorp
Classification: Benign for Juvenile onset Parkinson disease 19A. Last evaluated: 2026-01-09. Review status: criteria provided, single submitter. Criteria: Invitae Variant Classification Sherloc (09022015). Collection method: clinical testing. Allele origin: germline.

Breakthrough Genomics
Classification: Benign. Review status: criteria provided, single submitter. Criteria: ACMG Guidelines, 2015. Collection method: not provided. Allele origin: germline. Inheritance: Autosomal recessive inheritance. Affected: yes.

PreventionGenetics, part of Exact Sciences
Classification: Likely benign for DNAJC6-related condition. Last evaluated: 2019-06-18. Review status: no assertion criteria provided. Collection method: clinical testing. Allele origin: germline. Not counted in ClinVar's aggregate classification.
Comment: This variant is classified as likely benign based on ACMG/AMP sequence variant interpretation guidelines (Richards et al. 2015 PMID: 25741868, with internal and published modifications).